The following is an entry in ClinVar:

ClinVar aggregate classification (germline): Uncertain significance (1 of 4 stars; one submission).

Submission:

Labcorp Genetics (formerly Invitae), Labcorp
Classification: Uncertain significance. Last evaluated: 2023-12-12. Review status: criteria provided, single submitter. Criteria: Invitae Variant Classification Sherloc (09022015). Collection method: clinical testing. Allele origin: germline.
Comment: This sequence change replaces glutamic acid, which is acidic and polar, with alanine, which is neutral and non-polar, at codon 228 of the TOP2B protein (p.Glu228Ala). This variant is not present in population databases (gnomAD no frequency). This variant has not been reported in the literature in individuals affected with TOP2B-related conditions. An algorithm developed to predict the effect of missense changes on protein structure and function (PolyPhen-2) suggests that this variant is likely to be tolerated. In summary, the available evidence is currently insufficient to determine the role of this variant in disease. Therefore, it has been classified as a Variant of Uncertain Significance.

NM_001330700.2(TOP2B):c.698A>C (p.Glu233Ala)

Gene: TOP2B (DNA topoisomerase II beta; minus strand). Cytogenetic location: 3p24.2.
Variant type: single nucleotide variant.
Coding change: c.698A>C on transcript NM_001330700.2 (MANE Select); coding-DNA position 698, A replaced by C.
Protein change: p.Glu233Ala; replaces glutamic acid 233 with alanine.
Molecular consequence: missense variant.
Genome position (GRCh38, 1-based): chr3:25,636,090, T>G on the plus strand (A>C on the coding strand, the complement: TOP2B is on the minus strand). VCF-style: chr3-25636090-T-G. GRCh37 (hg19) VCF-style: chr3-25677581-T-G.
Other names: c.683A>C, p.Glu228Ala (NM_001068.3); short protein forms E233A, E228A.
Identifiers: ClinVar variation 2779013 (VCV002779013.3), dbSNP rs2470366656, ClinGen allele CA351912213.
Genomic context (GRCh38, chr3:25,636,090, plus strand): 5'-TCAAGTTTTTCCATCTTAAATTTGGACAGATCTGGTTGGAATGTTATGCATGTGTAATCT[T>G]CACCATCAAAATGTTTAATTTTGGCTTCAGAAGTCTTCATCATATTATTCATCCATGTCT-3'
Protein context (NP_001317629.1, residues 223-243): SEAKIKHFDG[Glu233Ala]DYTCITFQPD